The following is an entry in ClinVar:

NM_138691.3(TMC1):c.1939T>C (p.Ser647Pro)

Gene: TMC1 (transmembrane channel like 1; plus strand). Cytogenetic location: 9q21.13.
Variant type: single nucleotide variant.
Coding change: c.1939T>C on transcript NM_138691.3 (MANE Select); coding-DNA position 1939, T replaced by C.
Protein change: p.Ser647Pro; replaces serine 647 with proline.
Molecular consequence: missense variant.
Genome position (GRCh38, 1-based): chr9:72,821,017, T>C. VCF-style: chr9-72821017-T-C. GRCh37 (hg19) VCF-style: chr9-75435933-T-C.
Other names: short protein forms S647P.
Identifiers: ClinVar variation 228408 (VCV000228408.15), dbSNP rs138527651, ClinGen allele CA5082097.
Genomic context (GRCh38, chr9:72,821,017, plus strand): 5'-TTCAAAGCTTCCAGATCAAATAACTTCTACCTGGGCATGCTACTGCTCATCCTCTTCCTG[T>C]CCACAATGCCTGTCTTGTACATGATCGTGTCCCTCCCACCATCTTTTGATTGTGGTCCAT-3'
Protein context (NP_619636.2, residues 637-657): LGMLLLILFL[Ser647Pro]TMPVLYMIVS

ClinVar aggregate classification (germline): Pathogenic/Likely pathogenic. Review status: criteria provided, multiple submitters, no conflicts (2 of 4 stars). 7 submissions from 7 submitters: Pathogenic (5); Likely pathogenic (1). 1 of the submissions does not count toward it. Last evaluated 2024-04-22.

Conditions:
Rare genetic deafness. Identifiers: Orphanet 96210, MedGen C5680250.
TMC1-related disorder. Also called: TMC1-related disorders; TMC1-related condition.
Autosomal recessive nonsyndromic hearing loss 7. Also called: DEAFNESS, AUTOSOMAL RECESSIVE 11. Identifiers: Orphanet 90636, MedGen C1832978, MONDO:0010967, OMIM 600974.
Autosomal dominant nonsyndromic hearing loss 36. Identifiers: Orphanet 90635, MedGen C1847626, MONDO:0011708, OMIM 606705.

Allele frequency attached by ClinVar (database versions not stated): gnomAD exomes below 0.00001 and 0.00002; ExAC 0.00001; gnomAD 0.00001 and 0.00002; TOPMed 0.00001; ESP Exome Variant Server 0.00008.
gnomAD v4.1: 12 of 1,614,098 alleles (0.00074%); highest among the groups gnomAD compares: Middle Eastern, 0.033%; no homozygotes.

Submissions (7):

Blueprint Genetics
Classification: Pathogenic for TMC1-related disorders. Last evaluated: 2024-04-22. Review status: criteria provided, single submitter. Criteria: ACMG Guidelines, 2015. Collection method: clinical testing. Allele origin: germline. Affected: yes. Observed: 5 variant alleles.

Fulgent Genetics
Classification: Pathogenic for Autosomal recessive nonsyndromic hearing loss 7; Autosomal dominant nonsyndromic hearing loss 36. Last evaluated: 2024-04-12. Review status: criteria provided, single submitter. Criteria: ACMG Guidelines, 2015. Collection method: clinical testing. Allele origin: germline.

Labcorp Genetics (formerly Invitae), Labcorp
Classification: Pathogenic. Last evaluated: 2023-11-25. Review status: criteria provided, single submitter. Criteria: Invitae Variant Classification Sherloc (09022015). Collection method: clinical testing. Allele origin: germline.
Comment: This sequence change replaces serine, which is neutral and polar, with proline, which is neutral and non-polar, at codon 647 of the TMC1 protein (p.Ser647Pro). This variant is present in population databases (rs138527651, gnomAD 0.004%). This missense change has been observed in individual(s) with autosomal recessive nonsyndromic deafness (PMID: 21917145, 31814694). In at least one individual the data is consistent with being in trans (on the opposite chromosome) from a pathogenic variant. It has also been observed to segregate with disease in related individuals. ClinVar contains an entry for this variant (Variation ID: 228408). Advanced modeling of protein sequence and biophysical properties (such as structural, functional, and spatial information, amino acid conservation, physicochemical variation, residue mobility, and thermodynamic stability) performed at Invitae indicates that this missense variant is expected to disrupt TMC1 protein function with a positive predictive value of 95%. For these reasons, this variant has been classified as Pathogenic.

GeneDx
Classification: Likely pathogenic. Last evaluated: 2023-02-14. Review status: criteria provided, single submitter. Criteria: GeneDx Variant Classification Process June 2021. Collection method: clinical testing. Allele origin: germline. Affected: yes.
Comment: S647P has been described as a founder mutation, contributing to nearly a third of genetic hearing loss among the Moroccan Jewish population (Brownstein et al., 2011; Ehrenberg et al., 2019); In silico analysis supports that this missense variant has a deleterious effect on protein structure/function; This variant is associated with the following publications: (PMID: 22269275, 21917145, 24933710, 31814694, 31589614, 34795337, 24156272, Aboagye2023[paper], 27344577)

Revvity Omics, Revvity
Classification: Pathogenic. Last evaluated: 2019-07-29. Review status: criteria provided, single submitter. Criteria: ACMG Guidelines, 2015. Collection method: clinical testing. Allele origin: germline.

Laboratory for Molecular Medicine, Mass General Brigham Personalized Medicine
Classification: Pathogenic for Rare genetic deafness. Last evaluated: 2015-08-10. Review status: criteria provided, single submitter. Criteria: LMM Criteria. Collection method: clinical testing. Allele origin: germline. Observed: 1 variant allele.
Comment: The p.Ser647Pro variant in TMC1 has been reported in >10 Moroccan Jewish individ uals with hearing loss and segregated with disease in 8 affected relatives from 5 families (Brownstein 2011). All of these individuals were homozygous or compou nd heterozygous and all unaffected family members were either heterozygous only or wild-type at this position. The variant was also identified in 16/282 (5.6%) control individuals of Moroccan Jewish ancestry, all of whom were heterozygous f or the variant, which suggests that this variant represents a founder mutation f or hearing loss in this population (Brownstein 2011). In summary, this variant m eets our criteria to be classified as pathogenic for hearing loss in an autosoma l recessive manner based on segregation studies and its co-occurrence with a sec ond pathogenic TMC1 variant in many affected, unrelated individuals.

Laboratory of Prof. Karen Avraham, Tel Aviv University
Classification: Pathogenic for Autosomal recessive nonsyndromic hearing loss 7. Last evaluated: 2016-02-19. Review status: no assertion criteria provided. Collection method: research. Allele origin: germline. Affected: yes. Not counted in ClinVar's aggregate classification.
Comment: Congenital, profound HL

NSHL; recessive, DFNB7

Literature cited by the submitters: PubMed 21917145 (cited by Labcorp Genetics (formerly Invitae), Labcorp and Laboratory for Molecular Medicine, Mass General Brigham Personalized Medicine); PubMed 31814694 (cited by Labcorp Genetics (formerly Invitae), Labcorp).